The following is an entry in ClinVar:

NM_006521.6(TFE3):c.570C>G (p.His190Gln)

Gene: TFE3 (transcription factor binding to IGHM enhancer 3; minus strand). Cytogenetic location: Xp11.23.
Variant type: single nucleotide variant.
Coding change: c.570C>G on transcript NM_006521.6 (MANE Select); coding-DNA position 570, C replaced by G.
Protein change: p.His190Gln; replaces histidine 190 with glutamine.
Molecular consequence: missense variant.
Genome position (GRCh38, 1-based): chrX:49,038,407, G>C on the plus strand (C>G on the coding strand, the complement: TFE3 is on the minus strand). VCF-style: chrX-49038407-G-C. GRCh37 (hg19) VCF-style: chrX-48895932-G-C.
Other names: c.255C>G, p.His85Gln (NM_001282142.2); short protein forms H190Q, H85Q.
Identifiers: ClinVar variation 1318763 (VCV001318763.2), dbSNP rs2147776442, ClinGen allele CA412910798.

ClinVar aggregate classification (germline): Uncertain significance (1 of 4 stars; one submission).

Submission:

GeneDx
Classification: Uncertain significance. Last evaluated: 2019-10-11. Review status: criteria provided, single submitter. Criteria: GeneDx Variant Classification Process June 2021. Collection method: clinical testing. Allele origin: germline. Affected: yes.
Comment: Not observed in large population cohorts (Lek et al., 2016); In silico analysis, which includes protein predictors and evolutionary conservation, supports a deleterious effect; Has not been previously published as pathogenic or benign to our knowledge; Variants in candidate genes are classified as variants of uncertain significance in accordance with ACMG guidelines (Richards et al., 2015); This variant is associated with the following publications: (PMID: 32409512)